The following is an entry in ClinVar:

NM_005802.5(TOPORS):c.2483C>A (p.Ser828Tyr)

Gene: TOPORS (TOP1 binding arginine/serine rich protein, E3 ubiquitin ligase; minus strand). Cytogenetic location: 9p21.1.
Variant type: single nucleotide variant.
Coding change: c.2483C>A on transcript NM_005802.5 (MANE Select); coding-DNA position 2483, C replaced by A.
Protein change: p.Ser828Tyr; replaces serine 828 with tyrosine.
Molecular consequence: missense variant.
Genome position (GRCh38, 1-based): chr9:32,542,042, G>T on the plus strand (C>A on the coding strand, the complement: TOPORS is on the minus strand). VCF-style: chr9-32542042-G-T. GRCh37 (hg19) VCF-style: chr9-32542040-G-T.
Other names: c.2288C>A, p.Ser763Tyr (NM_001195622.2); short protein forms S828Y, S763Y.
Identifiers: ClinVar variation 957901 (VCV000957901.9), dbSNP rs1374436734, ClinGen allele CA373163190.

ClinVar aggregate classification (germline): Uncertain significance (1 of 4 stars; one submission).

Submission:

Labcorp Genetics (formerly Invitae), Labcorp
Classification: Uncertain significance. Last evaluated: 2019-07-30. Review status: criteria provided, single submitter. Criteria: Invitae Variant Classification Sherloc (09022015). Collection method: clinical testing. Allele origin: germline.
Comment: In summary, the available evidence is currently insufficient to determine the role of this variant in disease. Therefore, it has been classified as a Variant of Uncertain Significance. Algorithms developed to predict the effect of missense changes on protein structure and function are either unavailable or do not agree on the potential impact of this missense change (SIFT: "Deleterious"; PolyPhen-2: "Not Available"; Align-GVGD: "Class C0"). This variant has not been reported in the literature in individuals with TOPORS-related conditions. This variant is not present in population databases (ExAC no frequency). This sequence change replaces serine with tyrosine at codon 828 of the TOPORS protein (p.Ser828Tyr). The serine residue is moderately conserved and there is a large physicochemical difference between serine and tyrosine.